The following is an entry in ClinVar:

ClinVar aggregate classification (germline): Uncertain significance (1 of 4 stars; one submission).

Allele frequency attached by ClinVar (database versions not stated): TOPMed below 0.00001; gnomAD exomes 0.00001.
gnomAD v4.1: 11 of 1,613,756 alleles (0.00068%); highest among the groups gnomAD compares: Non-Finnish European, 0.00093%; no homozygotes.

Submission:

Labcorp Genetics (formerly Invitae), Labcorp
Classification: Uncertain significance. Last evaluated: 2022-07-04. Review status: criteria provided, single submitter. Criteria: Invitae Variant Classification Sherloc (09022015). Collection method: clinical testing. Allele origin: germline.
Comment: This sequence change replaces glutamic acid, which is acidic and polar, with aspartic acid, which is acidic and polar, at codon 1078 of the MCM3AP protein (p.Glu1078Asp). This variant also falls at the last nucleotide of exon 12, which is part of the consensus splice site for this exon. This variant is present in population databases (no rsID available, gnomAD 0.002%). This variant has not been reported in the literature in individuals affected with MCM3AP-related conditions. Algorithms developed to predict the effect of missense changes on protein structure and function (SIFT, PolyPhen-2, Align-GVGD) all suggest that this variant is likely to be tolerated. Variants that disrupt the consensus splice site are a relatively common cause of aberrant splicing (PMID: 17576681, 9536098). Algorithms developed to predict the effect of sequence changes on RNA splicing suggest that this variant may disrupt the consensus splice site. In summary, the available evidence is currently insufficient to determine the role of this variant in disease. Therefore, it has been classified as a Variant of Uncertain Significance.

Literature cited by the submitters: PubMed 17576681; PubMed 9536098.

NM_003906.5(MCM3AP):c.3234G>T (p.Glu1078Asp)

Gene: MCM3AP (minichromosome maintenance complex component 3 associated protein; minus strand). Cytogenetic location: 21q22.3.
Variant type: single nucleotide variant.
Coding change: c.3234G>T on transcript NM_003906.5 (MANE Select); coding-DNA position 3234, G replaced by T.
Protein change: p.Glu1078Asp; replaces glutamic acid 1078 with aspartic acid.
Molecular consequence: missense variant.
Genome position (GRCh38, 1-based): chr21:46,265,321, C>A on the plus strand (G>T on the coding strand, the complement: MCM3AP is on the minus strand). VCF-style: chr21-46265321-C-A. GRCh37 (hg19) VCF-style: chr21-47685235-C-A.
Other names: short protein forms E1078D.
Identifiers: ClinVar variation 1946769 (VCV001946769.5), dbSNP rs1273503798, ClinGen allele CA410559200.